The following is an entry in ClinVar:

ClinVar aggregate classification (germline): Pathogenic (1 of 4 stars; one submission).

Submission:

Labcorp Genetics (formerly Invitae), Labcorp
Classification: Pathogenic. Last evaluated: 2022-07-25. Review status: criteria provided, single submitter. Criteria: Invitae Variant Classification Sherloc (09022015). Collection method: clinical testing. Allele origin: germline.
Comment: For these reasons, this variant has been classified as Pathogenic. Algorithms developed to predict the effect of sequence changes on RNA splicing suggest that this variant may disrupt the consensus splice site. This variant is also known as a1094-2->g. Disruption of this splice site has been observed in individuals with Alport syndrome (PMID: 8738805). This variant is not present in population databases (gnomAD no frequency). This sequence change affects an acceptor splice site in intron 15 of the COL4A5 gene. It is expected to disrupt RNA splicing. Variants that disrupt the donor or acceptor splice site typically lead to a loss of protein function (PMID: 16199547), and loss-of-function variants in COL4A5 are known to be pathogenic (PMID: 9195222, 10752524, 14514738, 24854265, 26809805).

Literature cited by the submitters: PubMed 8738805; PubMed 16199547; PubMed 9195222; PubMed 10752524; PubMed 14514738; PubMed 24854265; PubMed 26809805.

NM_033380.3(COL4A5):c.892-2A>G

Gene: COL4A5 (collagen type IV alpha 5 chain; plus strand). Cytogenetic location: Xq22.3.
Variant type: single nucleotide variant.
Coding change: c.892-2A>G on transcript NM_033380.3 (MANE Select); the canonical splice acceptor site of the intron before coding-DNA position 892, A replaced by G.
Molecular consequence: splice acceptor variant.
Genome position (GRCh38, 1-based): chrX:108,580,981, A>G. VCF-style: chrX-108580981-A-G. GRCh37 (hg19) VCF-style: chrX-107824211-A-G.
Other names: c.892-2A>G (NM_000495.5).
Identifiers: ClinVar variation 2138688 (VCV002138688.4), dbSNP rs104886453, ClinGen allele CA258349.